The following is an entry in ClinVar:

ClinVar aggregate classification (germline): Likely benign (1 of 4 stars; one submission).

Submission:

CeGaT Center for Human Genetics Tuebingen
Classification: Likely benign. Last evaluated: 2024-02-01. Review status: criteria provided, single submitter. Criteria: CeGaT Center For Human Genetics Tuebingen Variant Classification Criteria Version 2. Collection method: clinical testing. Allele origin: germline. Affected: yes. Observed: 1 variant allele.
Comment: MYO5A: PM2:Supporting, BP4, BP7

NM_001382347.1(MYO5A):c.1329A>G (p.Thr443=)

Gene: MYO5A (myosin VA; minus strand). Cytogenetic location: 15q21.2.
Variant type: single nucleotide variant.
Coding change: c.1329A>G on transcript NM_001382347.1 (MANE Select); coding-DNA position 1329, A replaced by G.
Protein change: p.Thr443=; no amino-acid change (threonine 443 retained).
Molecular consequence: synonymous variant.
Genome position (GRCh38, 1-based): chr15:52,396,388, T>C on the plus strand (A>G on the coding strand, the complement: MYO5A is on the minus strand). VCF-style: chr15-52396388-T-C. GRCh37 (hg19) VCF-style: chr15-52688585-T-C.
Other names: c.1329A>G, p.Thr443= (NM_000259.3, NM_001142495.2, NM_001411135.1); c.1401A>G, p.Thr467= (NM_001382348.1, NM_001382349.1).
Identifiers: ClinVar variation 3025108 (VCV003025108.22), dbSNP rs2543965509, ClinGen allele CA490419729.